The following is an entry in ClinVar:

NM_001365308.1(BMPER):c.*522G>A

Gene: BMPER (BMP binding endothelial regulator; plus strand). Cytogenetic location: 7p14.3.
Variant type: single nucleotide variant.
Coding change: c.*522G>A on transcript NM_001365308.1 (MANE Select); 522 bases downstream of the stop codon, G replaced by A.
Molecular consequence: 3 prime UTR variant.
Genome position (GRCh38, 1-based): chr7:34,153,795, G>A. VCF-style: chr7-34153795-G-A. GRCh37 (hg19) VCF-style: chr7-34193407-G-A.
Other names: c.*522G>A (NM_133468.5).
Identifiers: ClinVar variation 360126 (VCV000360126.5), dbSNP rs118049461, ClinGen allele CA10629151.
Genomic context (GRCh38, chr7:34,153,795, plus strand): 5'-ATTTCAGGTTTCCAAAGAAAGGAATGTATGCCTGGGAAAGACAGCAGGAGATTGGTGACC[G>A]GCCCTAATGGTGCATGAAAAGCGAGTGATAGGCTGTTAGAATGTATTAGGTCATGGGCTA-3'

ClinVar aggregate classification (germline): Benign (1 of 4 stars; one submission).

Conditions:
Diaphanospondylodysostosis. Also called: VERTEBRAL OSSIFICATION, DEFECT IN, WITH NEPHROGENIC RESTS. Identifiers: Orphanet 66637, MedGen C1842691, MONDO:0011946, OMIM 608022.

Allele frequency attached by ClinVar (database versions not stated): gnomAD 0.00250 and 0.00310; TOPMed 0.00386; gnomAD exomes 0.00613; 1000 Genomes Project 30x 0.01312; 1000 Genomes Project 0.01398.
gnomAD v4.1: 564 of 167,214 alleles (0.34%); highest among the groups gnomAD compares: East Asian, 7.7%; 21 homozygotes.

Submission:

Illumina Laboratory Services, Illumina
Classification: Benign for Diaphanospondylodysostosis. Last evaluated: 2018-01-12. Review status: criteria provided, single submitter. Criteria: ICSL Variant Classification Criteria 13 December 2019. Collection method: clinical testing. Allele origin: germline.
Comment: This variant was observed in the ICSL laboratory as part of a predisposition screen in an ostensibly healthy population. It had not been previously curated by ICSL or reported in the Human Gene Mutation Database (HGMD: prior to June 1st, 2018), and was therefore a candidate for classification through an automated scoring system. Utilizing variant allele frequency, disease prevalence and penetrance estimates, and inheritance mode, an automated score was calculated to assess if this variant is too frequent to cause the disease. Based on the score and internal cut-off values, a variant classified as benign is not then subjected to further curation. The score for this variant resulted in a classification of benign for this disease.